The following is an entry in ClinVar:

ClinVar aggregate classification (germline): Pathogenic (1 of 4 stars; one submission).

Conditions:
Postaxial polydactyly-anterior pituitary anomalies-facial dysmorphism syndrome. Also called: Culler-Jones syndrome. Identifiers: Orphanet 420584, MedGen C4014479, MONDO:0014369, OMIM 615849.
Holoprosencephaly 9 (HPE9). Also called: PITUITARY ANOMALIES WITH HOLOPROSENCEPHALY-LIKE FEATURES; HOLOPROSENCEPHALY WITH MICROPHTHALMIA AND FIRST BRANCHIAL ARCH ANOMALIES. Identifiers: Orphanet 2162, MedGen C1835819, MONDO:0012563, OMIM 610829.

Submission:

Labcorp Genetics (formerly Invitae), Labcorp
Classification: Pathogenic for Postaxial polydactyly-anterior pituitary anomalies-facial dysmorphism syndrome; Holoprosencephaly 9. Last evaluated: 2022-04-08. Review status: criteria provided, single submitter. Criteria: Invitae Variant Classification Sherloc (09022015). Collection method: clinical testing. Allele origin: germline.
Comment: For these reasons, this variant has been classified as Pathogenic. This variant has not been reported in the literature in individuals affected with GLI2-related conditions. This variant is not present in population databases (gnomAD no frequency). This sequence change creates a premature translational stop signal (p.Ser4Valfs*27) in the GLI2 gene. It is expected to result in an absent or disrupted protein product. Loss-of-function variants in GLI2 are known to be pathogenic (PMID: 20685856, 24744436).

Literature cited by the submitters: PubMed 20685856; PubMed 24744436.

NM_001374353.1(GLI2):c.9dup (p.Ser4fs)

Gene: GLI2 (GLI family zinc finger 2; plus strand). Cytogenetic location: 2q14.2.
Variant type: Duplication.
Coding change: c.9dup on transcript NM_001374353.1 (MANE Select); coding-DNA position 9, one base duplicated (G; older notation c.9dupG).
Protein change: p.Ser4fs; shifts the reading frame from serine 4.
Molecular consequence: frameshift variant. On other transcripts: 5 prime UTR variant (1).
Genome position (GRCh38, 1-based): chr2:120,797,329, G duplicated. VCF-style (leftmost placement, unchanged base first): chr2-120797328-C-CG. GRCh37 (hg19) VCF-style: chr2-121554904-C-CG.
Other names: c.9dup, p.Ser4fs (NM_001371271.1, NM_005270.5); c.-261dup (NM_001374354.1); short protein forms S4fs.
Identifiers: ClinVar variation 2112984 (VCV002112984.4), dbSNP rs2467020343, ClinGen allele CA2580063761.